The following is an entry in ClinVar:

NM_004370.6(COL12A1):c.337C>T (p.Gln113Ter)

Gene: COL12A1 (collagen type XII alpha 1 chain; minus strand). Cytogenetic location: 6q13.
Variant type: single nucleotide variant.
Coding change: c.337C>T on transcript NM_004370.6 (MANE Select); coding-DNA position 337, C replaced by T.
Protein change: p.Gln113Ter; replaces glutamine 113 with a stop codon.
Molecular consequence: nonsense. On other transcripts: intron variant (2).
Genome position (GRCh38, 1-based): chr6:75,191,758, G>A on the plus strand (C>T on the coding strand, the complement: COL12A1 is on the minus strand). VCF-style: chr6-75191758-G-A. GRCh37 (hg19) VCF-style: chr6-75901474-G-A.
Other names: c.337C>T, p.Gln113Ter (NM_001424113.1, NM_001424114.1, NM_001424115.1); c.73+10962C>T (NM_001424116.1, NM_080645.3); short protein forms Q113*.
Identifiers: ClinVar variation 3757394 (VCV003757394.2).

ClinVar aggregate classification (germline): Uncertain significance (1 of 4 stars; one submission).

Conditions:
Ullrich congenital muscular dystrophy 2 (UCMD2). Identifiers: Orphanet 75840, MedGen C4225314, MONDO:0014654, OMIM 616470.
Bethlem myopathy 2 (BTHLM2). Identifiers: Orphanet 536516, Orphanet 610, MedGen C4225313, MONDO:0034022, OMIM 616471.

Submission:

Labcorp Genetics (formerly Invitae), Labcorp
Classification: Uncertain significance for Bethlem myopathy 2; Ullrich congenital muscular dystrophy 2. Last evaluated: 2024-07-30. Review status: criteria provided, single submitter. Criteria: Invitae Variant Classification Sherloc (09022015). Collection method: clinical testing. Allele origin: germline.
Comment: This sequence change creates a premature translational stop signal (p.Gln113*) in the COL12A1 gene. Multiple COL12A1 isoforms have been reported, and the functional impact of this variant is uncertain (PMID: 8601036). This variant is not present in population databases (gnomAD no frequency). This variant has not been reported in the literature in individuals affected with COL12A1-related conditions. In summary, the available evidence is currently insufficient to determine the role of this variant in disease. Therefore, it has been classified as a Variant of Uncertain Significance.

Literature cited by the submitters: PubMed 8601036.